The following is an entry in ClinVar:

ClinVar aggregate classification (germline): Likely benign. Review status: criteria provided, multiple submitters, no conflicts (2 of 4 stars). 2 submissions from 2 submitters: Likely benign (2). Last evaluated 2022-08-01.

Allele frequency attached by ClinVar (database versions not stated): TOPMed 0.00001.
gnomAD v4.1: 42 of 1,613,828 alleles (0.0026%); highest among the groups gnomAD compares: Non-Finnish European, 0.0035%; no homozygotes.

Submissions (2):

CeGaT Center for Human Genetics Tuebingen
Classification: Likely benign. Last evaluated: 2022-08-01. Review status: criteria provided, single submitter. Criteria: CeGaT Center For Human Genetics Tuebingen Variant Classification Criteria Version 2. Collection method: clinical testing. Allele origin: germline. Affected: yes. Observed: 1 variant allele.
Comment: SCN1A: PM2:Supporting, BP4, BP7

Labcorp Genetics (formerly Invitae), Labcorp
Classification: Likely benign. Last evaluated: 2017-06-30. Review status: criteria provided, single submitter. Criteria: Invitae Variant Classification Sherloc (09022015). Collection method: clinical testing. Allele origin: germline.

NM_001165963.4(SCN1A):c.5349G>C (p.Ala1783=)

Genes: SCN1A (sodium voltage-gated channel alpha subunit 1; minus strand), LOC102724058 (uncharacterized LOC102724058; plus strand). Cytogenetic location: 2q24.3.
Variant type: single nucleotide variant.
Coding change: c.5349G>C on transcript NM_001165963.4 (MANE Select); coding-DNA position 5349, G replaced by C.
Protein change: p.Ala1783=; no amino-acid change (alanine 1783 retained).
Molecular consequence: synonymous variant. On other transcripts: non-coding transcript variant (1).
Genome position (GRCh38, 1-based): chr2:165,991,926, C>G on the plus strand (G>C on the coding strand, the complement: SCN1A is on the minus strand). VCF-style: chr2-165991926-C-G. GRCh37 (hg19) VCF-style: chr2-166848436-C-G.
Other names: c.5265G>C, p.Ala1755= (NM_001165964.3, NM_001353957.2, NM_001353958.2); c.5349G>C, p.Ala1783= (NM_001202435.3, NM_001353948.2); c.5316G>C, p.Ala1772= (NM_001353949.2, NM_001353950.2, NM_001353951.2 and 2 more transcripts); c.5313G>C, p.Ala1771= (NM_001353954.2, NM_001353955.2); c.5262G>C, p.Ala1754= (NM_001353960.2); c.2907G>C, p.Ala969= (NM_001353961.2).
Identifiers: ClinVar variation 704347 (VCV000704347.27), dbSNP rs369500022, ClinGen allele CA429976452.